The following is an entry in ClinVar:

NM_004558.5(NRTN):c.543C>T (p.Ser181=)

Gene: NRTN (neurturin; plus strand). Cytogenetic location: 19p13.3.
Variant type: single nucleotide variant.
Coding change: c.543C>T on transcript NM_004558.5 (MANE Select); coding-DNA position 543, C replaced by T.
Protein change: p.Ser181=; no amino-acid change (serine 181 retained).
Molecular consequence: synonymous variant.
Genome position (GRCh38, 1-based): chr19:5,828,122, C>T. VCF-style: chr19-5828122-C-T. GRCh37 (hg19) VCF-style: chr19-5828133-C-T.
Identifiers: ClinVar variation 3352591 (VCV003352591.1).

ClinVar aggregate classification (germline): Likely benign (0 of 4 stars; one submission).

Conditions:
NRTN-related disorder. Also called: NRTN-related condition.

gnomAD v4.1: 3 of 1,507,880 alleles (0.0002%); highest among the groups gnomAD compares: East Asian, 0.0027%; no homozygotes.

Submission:

PreventionGenetics, part of Exact Sciences
Classification: Likely benign for NRTN-related condition. Last evaluated: 2019-05-10. Review status: no assertion criteria provided. Collection method: clinical testing. Allele origin: germline.
Comment: This variant is classified as likely benign based on ACMG/AMP sequence variant interpretation guidelines (Richards et al. 2015 PMID: 25741868, with internal and published modifications).